The following is an entry in ClinVar:

NM_000459.5(TEK):c.3103G>C (p.Gly1035Arg)

Gene: TEK (TEK receptor tyrosine kinase; plus strand). Cytogenetic location: 9p21.2.
Variant type: single nucleotide variant.
Coding change: c.3103G>C on transcript NM_000459.5 (MANE Select); coding-DNA position 3103, G replaced by C.
Protein change: p.Gly1035Arg; replaces glycine 1035 with arginine.
Molecular consequence: missense variant.
Genome position (GRCh38, 1-based): chr9:27,218,817, G>C. VCF-style: chr9-27218817-G-C. GRCh37 (hg19) VCF-style: chr9-27218815-G-C.
Other names: c.2974G>C, p.Gly992Arg (NM_001290077.2); c.2659G>C, p.Gly887Arg (NM_001290078.2); c.3100G>C, p.Gly1034Arg (NM_001375475.1); c.2971G>C, p.Gly991Arg (NM_001375476.1); short protein forms G1034R, G1035R, G887R, G991R, G992R.
Identifiers: ClinVar variation 4075488 (VCV004075488.1).

ClinVar aggregate classification (germline): Pathogenic (1 of 4 stars; one submission).

gnomAD v4.1: 1 of 1,613,828 alleles (0.000062%); highest among the groups gnomAD compares: Admixed American, 0.0017%; no homozygotes.

Submission:

GeneDx
Classification: Pathogenic. Last evaluated: 2025-02-13. Review status: criteria provided, single submitter. Criteria: GeneDx Variant Classification Process June 2021. Collection method: clinical testing. Allele origin: germline. Affected: yes.
Comment: Reported in the published literature in a patient with primary congenital glaucoma (PMID: 33027505); Published functional studies suggest that this variant leads to a complete loss of TEK phosphorylation and severe reduction in TEK protein levels which may cause impaired receptor activation and downstream signalling (PMID: 33027505); In silico analysis supports that this missense variant has a deleterious effect on protein structure/function; Not observed at significant frequency in large population cohorts (gnomAD); This variant is associated with the following publications: (PMID: 33027505)